The following is an entry in ClinVar:

NM_002941.4(ROBO1):c.1210C>T (p.Arg404Ter)

Gene: ROBO1 (roundabout guidance receptor 1; minus strand). Cytogenetic location: 3p12.3.
Variant type: single nucleotide variant.
Coding change: c.1210C>T on transcript NM_002941.4 (MANE Select); coding-DNA position 1210, C replaced by T.
Protein change: p.Arg404Ter; replaces arginine 404 with a stop codon.
Molecular consequence: nonsense.
Genome position (GRCh38, 1-based): chr3:78,685,878, G>A on the plus strand (C>T on the coding strand, the complement: ROBO1 is on the minus strand). VCF-style: chr3-78685878-G-A. GRCh37 (hg19) VCF-style: chr3-78735028-G-A.
Other names: c.1102C>T, p.Arg368Ter (NM_001145845.2, NM_133631.4); short protein forms R368*, R404*.
Identifiers: ClinVar variation 5019103 (VCV005019103.2).
Genomic context (GRCh38, chr3:78,685,878, plus strand): 5'-CAACATCAGATCGCTGGACATTAGTAATTGTGAGGTCGCCAGTCTGGGAGACTGAAAATC[G>A]GCTGGATGACTGTGGTGGTTGATATGAGAAAAGTAGATTCTAGAACCCAGAAATTGGGAT-3'

ClinVar aggregate classification (germline): Likely pathogenic (1 of 4 stars; one submission).

Conditions:
Pituitary hormone deficiency, combined or isolated, 8 (CPHD8). Identifiers: MedGen C5830375, MONDO:0957208, OMIM 620303.
Neurooculorenal syndrome (NORS). Identifiers: MedGen C5830377, MONDO:0957210, OMIM 620305.
Nystagmus, congenital, autosomal recessive. Identifiers: MedGen C3151571, MONDO:0009762, OMIM 257400.

Submission:

Juno Genomics, Hangzhou Juno Genomics, Inc
Classification: Likely pathogenic for Nystagmus, congenital, autosomal recessive; Neurooculorenal syndrome; Pituitary hormone deficiency, combined or isolated, 8. Review status: criteria provided, single submitter. Criteria: ACMG Guidelines, 2015. Collection method: clinical testing. Allele origin: germline.
Comment: Absent from controls (or at extremely low frequency if recessive) in Genome Aggregation Database.;Null variant in a gene where loss of function (LOF) is a known mechanism of disease.